The following is an entry in ClinVar:

ClinVar aggregate classification (germline): Uncertain significance (1 of 4 stars; one submission).

Conditions:
Kleefstra syndrome 1 (KLEFS1). Identifiers: Orphanet 261494, MedGen C0795833, MONDO:0027407, OMIM 610253.

gnomAD v4.1: 1 of 1,613,280 alleles (0.000062%); highest among the groups gnomAD compares: East Asian, 0.0022%; no homozygotes.

Submission:

Labcorp Genetics (formerly Invitae), Labcorp
Classification: Uncertain significance for Kleefstra syndrome 1. Last evaluated: 2023-07-13. Review status: criteria provided, single submitter. Criteria: Invitae Variant Classification Sherloc (09022015). Collection method: clinical testing. Allele origin: germline.
Comment: In summary, the available evidence is currently insufficient to determine the role of this variant in disease. Therefore, it has been classified as a Variant of Uncertain Significance. An algorithm developed to predict the effect of missense changes on protein structure and function (PolyPhen-2) suggests that this variant is likely to be disruptive. This variant has not been reported in the literature in individuals affected with EHMT1-related conditions. This variant is not present in population databases (gnomAD no frequency). This sequence change replaces aspartic acid, which is acidic and polar, with valine, which is neutral and non-polar, at codon 83 of the EHMT1 protein (p.Asp83Val).

NM_024757.5(EHMT1):c.248A>T (p.Asp83Val)

Gene: EHMT1 (euchromatic histone lysine methyltransferase 1; plus strand). Cytogenetic location: 9q34.3.
Variant type: single nucleotide variant.
Coding change: c.248A>T on transcript NM_024757.5 (MANE Select); coding-DNA position 248, A replaced by T.
Protein change: p.Asp83Val; replaces aspartic acid 83 with valine.
Molecular consequence: missense variant.
Genome position (GRCh38, 1-based): chr9:137,716,788, A>T. VCF-style: chr9-137716788-A-T. GRCh37 (hg19) VCF-style: chr9-140611240-A-T.
Other names: c.248A>T, p.Asp83Val (NM_001145527.2, NM_001354263.2, NM_001354611.2); c.155A>T, p.Asp52Val (NM_001354259.2, NM_001354612.2); short protein forms D52V, D83V.
Identifiers: ClinVar variation 2743167 (VCV002743167.3), dbSNP rs770735510, ClinGen allele CA375763657.